The following is an entry in ClinVar:

ClinVar aggregate classification (germline): Likely pathogenic. Review status: criteria provided, multiple submitters, no conflicts (2 of 4 stars). 2 submissions from 2 submitters: Likely pathogenic (2). Last evaluated 2024-08-08.

Conditions:
Tooth agenesis, selective, 4 (STHAG4). Also called: SUCCEDANEOUS TEETH, AGENESIS OF; TOOTH AGENESIS, SELECTIVE, 4, WITH OR WITHOUT ECTODERMAL DYSPLASIA; LATERAL INCISORS, ABSENCE OF; LATERAL INCISORS, PEGGED OR MISSING. Identifiers: Orphanet 99798, MedGen C1835492, MONDO:0007881, OMIM 150400. Disease mechanism: loss of function.
Odonto-onycho-dermal dysplasia. Identifiers: Orphanet 2721, MedGen C0796093, MONDO:0009773, OMIM 257980.
Schöpf-Schulz-Passarge syndrome. Also called: ECCRINE TUMORS WITH ECTODERMAL DYSPLASIA; SchC6pf-Schulz-Passarge syndrome; KERATOSIS PALMOPLANTARIS WITH CYSTIC EYELIDS, HYPODONTIA, AND HYPOTRICHOSIS. Identifiers: Orphanet 50944, MedGen C1857069, MONDO:0009145, OMIM 224750.

gnomAD v4.1: 3 of 1,591,958 alleles (0.00019%); highest among the groups gnomAD compares: Non-Finnish European, 0.00026%; no homozygotes.

Submissions (2):

Natera, Inc.
Classification: Likely pathogenic for Schopf-Schulz-Passarge syndrome. Last evaluated: 2024-08-08. Review status: criteria provided, single submitter. Criteria: Natera Variant Classification Schema (03/2026). Collection method: clinical testing. Allele origin: germline.
Comment: The c.113+1G>A variant in WNT10A is a canonical splice donor site variant predicted to affect pre-mRNA splicing, which may result in an abnormal transcript and altered protein product. This variant is expected to result in nonsense mediated decay, truncation, or a dysfunctional protein product. This variant is rare in the general population with a frequency below the threshold expected for the associated phenotype(s). Given the available evidence, this variant is classified as Likely Pathogenic.

Labcorp Genetics (formerly Invitae), Labcorp
Classification: Likely pathogenic for Tooth agenesis, selective, 4; Odonto-onycho-dermal dysplasia. Last evaluated: 2022-04-04. Review status: criteria provided, single submitter. Criteria: Invitae Variant Classification Sherloc (09022015). Collection method: clinical testing. Allele origin: germline.
Comment: This variant has not been reported in the literature in individuals affected with WNT10A-related conditions. This sequence change affects a donor splice site in intron 1 of the WNT10A gene. It is expected to disrupt RNA splicing. Variants that disrupt the donor or acceptor splice site typically lead to a loss of protein function (PMID: 16199547), and loss-of-function variants in WNT10A are known to be pathogenic (PMID: 17847007, 22581971, 25629078). This variant is not present in population databases (gnomAD no frequency). Algorithms developed to predict the effect of sequence changes on RNA splicing suggest that this variant may disrupt the consensus splice site. In summary, the currently available evidence indicates that the variant is pathogenic, but additional data are needed to prove that conclusively. Therefore, this variant has been classified as Likely Pathogenic.

Literature cited by the submitters: PubMed 16199547 (cited by Labcorp Genetics (formerly Invitae), Labcorp); PubMed 17847007 (cited by Labcorp Genetics (formerly Invitae), Labcorp); PubMed 22581971 (cited by Labcorp Genetics (formerly Invitae), Labcorp); PubMed 25629078 (cited by Labcorp Genetics (formerly Invitae), Labcorp).

NM_025216.3(WNT10A):c.113+1G>A

Gene: WNT10A (Wnt family member 10A; plus strand). Cytogenetic location: 2q35.
Variant type: single nucleotide variant.
Coding change: c.113+1G>A on transcript NM_025216.3 (MANE Select); the canonical splice donor site of the intron after coding-DNA position 113, G replaced by A.
Molecular consequence: splice donor variant.
Genome position (GRCh38, 1-based): chr2:218,881,109, G>A. VCF-style: chr2-218881109-G-A. GRCh37 (hg19) VCF-style: chr2-219745831-G-A.
Other names: c.113+1G>A (NM_025216.2).
Identifiers: ClinVar variation 1950565 (VCV001950565.6), dbSNP rs968817879, ClinGen allele CA350617240.